The following is an entry in ClinVar:

ClinVar aggregate classification (germline): Pathogenic. Review status: reviewed by expert panel (3 of 4 stars). 2 submissions from 2 submitters: Pathogenic (1). 1 of the submissions does not count toward it. Last evaluated 2016-10-18.

Conditions:
Breast-ovarian cancer, familial, susceptibility to, 2 (BROVCA2). Also called: BRCA2 Hereditary Breast and Ovarian Cancer. Identifiers: Orphanet 145, MedGen C2675520, MONDO:0012933, OMIM 612555. Disease mechanism: loss of function.

Submissions (2):

Evidence-based Network for the Interpretation of Germline Mutant Alleles (ENIGMA)
Classification: Pathogenic for Breast-ovarian cancer, familial, susceptibility to, 2. Last evaluated: 2016-10-18. Review status: reviewed by expert panel. Criteria: ENIGMA BRCA1/2 Classification Criteria (2015). Collection method: curation. Allele origin: germline.
Comment: Variant allele predicted to encode a truncated non-functional protein.

Consortium of Investigators of Modifiers of BRCA1/2 (CIMBA), c/o University of Cambridge
Classification: Pathogenic for Breast-ovarian cancer, familial, susceptibility to, 2. Last evaluated: 2015-10-02. Review status: criteria provided, single submitter. Criteria: CIMBA Mutation Classification guidelines May 2016. Collection method: clinical testing. Allele origin: germline. Not counted in ClinVar's aggregate classification.

NM_000059.4(BRCA2):c.6145del (p.Val2049fs)

Gene: BRCA2 (BRCA2 DNA repair associated; plus strand). Cytogenetic location: 13q13.1.
Variant type: Deletion.
Coding change: c.6145del on transcript NM_000059.4 (MANE Select); coding-DNA position 6145, one base deleted (G; older notation c.6145delG).
Protein change: p.Val2049fs; shifts the reading frame from valine 2049.
Molecular consequence: frameshift variant.
Genome position (GRCh38, 1-based): chr13:32,340,500, G deleted. VCF-style (leftmost placement, unchanged base first): chr13-32340499-TG-T. GRCh37 (hg19) VCF-style: chr13-32914636-TG-T.
Other names: 6373delG; short protein forms V2049fs.
Identifiers: ClinVar variation 266927 (VCV000266927.5), dbSNP rs886040639, ClinGen allele CA10589357.
Genomic context (GRCh38, chr13:32,340,499, plus strand): 5'-AGAAAATACTGCTATACGTACTCCAGAACATTTAATATCCCAAAAAGGCTTTTCATATAA[TG>T]TGGTAAATTCATCTGCTTTCTCTGGATTTAGTACAGCAAGTGGAAAGCAAGTTTCCATTT-3'